The following is an entry in ClinVar:

NM_001004127.3(ALG11):c.887del (p.Lys296fs)

Gene: ALG11 (ALG11 alpha-1,2-mannosyltransferase; plus strand). Cytogenetic location: 13q14.3.
Variant type: Deletion.
Coding change: c.887del on transcript NM_001004127.3 (MANE Select); coding-DNA position 887, one base deleted (A; older notation c.887delA).
Protein change: p.Lys296fs; shifts the reading frame from lysine 296.
Molecular consequence: frameshift variant.
Genome position (GRCh38, 1-based): chr13:52,024,617, A deleted; the last of 5 consecutive A bases (chr13:52,024,613-52,024,617); deleting any one gives the same sequence. VCF-style (leftmost placement, unchanged base first): chr13-52024612-GA-G. GRCh37 (hg19) VCF-style: chr13-52598748-GA-G.
Other names: short protein forms K296fs.
Identifiers: ClinVar variation 3632809 (VCV003632809.2).
Genomic context (GRCh38, chr13:52,024,612, plus strand): 5'-CACTAACATTGTTTATCCACCTTGTGATGTGCAGACATTTCTGGACATTCCCTTACATGA[GA>G]AAAAGATGACCCCAGGACATTTGCTGGTTTCTGTTGGCCAGTTTAGGCCGGAAAAGAATC-3'

ClinVar aggregate classification (germline): Pathogenic (1 of 4 stars; one submission).

Conditions:
ALG11-congenital disorder of glycosylation. Also called: CONGENITAL DISORDER OF GLYCOSYLATION, TYPE Ip; ALG11-CDG. Identifiers: Orphanet 280071, MedGen C3150913, MONDO:0013349, OMIM 613661.

Submission:

Labcorp Genetics (formerly Invitae), Labcorp
Classification: Pathogenic for ALG11-congenital disorder of glycosylation. Last evaluated: 2024-04-16. Review status: criteria provided, single submitter. Criteria: Invitae Variant Classification Sherloc (09022015). Collection method: clinical testing. Allele origin: germline.
Comment: This sequence change creates a premature translational stop signal (p.Lys296Argfs*2) in the ALG11 gene. It is expected to result in an absent or disrupted protein product. Loss-of-function variants in ALG11 are known to be pathogenic (PMID: 30676690). This variant is present in population databases (rs767720592, gnomAD 0.002%). This variant has not been reported in the literature in individuals affected with ALG11-related conditions. For these reasons, this variant has been classified as Pathogenic.

Literature cited by the submitters: PubMed 30676690.